The following is an entry in ClinVar:

ClinVar aggregate classification (germline): Benign (1 of 4 stars; one submission).

Conditions:
Papillary renal cell carcinoma type 1 (RCCP1). Also called: Renal adenocarcinoma; Renal cell carcinoma 1; Renal cell carcinoma, somatic; RENAL CELL CARCINOMA, PAPILLARY, 1, SOMATIC. Identifiers: Orphanet 47044, MedGen C1336839, OMIM 605074, HP:0011797.

Submission:

Myriad Genetics, Inc.
Classification: Benign for Papillary renal cell carcinoma type 1. Last evaluated: 2024-11-07. Review status: criteria provided, single submitter. Criteria: Myriad Autosomal Dominant, Autosomal Recessive and X-Linked Classification Criteria (2023). Collection method: clinical testing. Allele origin: unknown.
Comment: This variant is considered benign. This variant is a silent/synonymous amino acid change and it is not expected to impact splicing.

NM_000245.4(MET):c.1368G>T (p.Gly456=)

Gene: MET (MET proto-oncogene, receptor tyrosine kinase; plus strand). Cytogenetic location: 7q31.2.
Variant type: single nucleotide variant.
Coding change: c.1368G>T on transcript NM_000245.4 (MANE Select); coding-DNA position 1368, G replaced by T.
Protein change: p.Gly456=; no amino-acid change (glycine 456 retained).
Molecular consequence: synonymous variant.
Genome position (GRCh38, 1-based): chr7:116,731,835, G>T. VCF-style: chr7-116731835-G-T. GRCh37 (hg19) VCF-style: chr7-116371889-G-T.
Other names: c.1368G>T, p.Gly456= (NM_001127500.3, NM_001324401.3); c.78G>T, p.Gly26= (NM_001324402.2).
Identifiers: ClinVar variation 3773141 (VCV003773141.1).